The following is an entry in ClinVar:

ClinVar aggregate classification (germline): Likely pathogenic (1 of 4 stars; one submission).

Conditions:
Intellectual developmental disorder, X-linked, syndromic, Billuart type. Also called: MENTAL RETARDATION, X-LINKED 60; X-linked intellectual disability-cerebellar hypoplasia syndrome. Identifiers: Orphanet 137831, MedGen C1845366, MONDO:0010337, OMIM 300486.

Submission:

Broad Center for Mendelian Genomics, Broad Institute of MIT and Harvard
Classification: Likely pathogenic for Intellectual developmental disorder, X-linked, syndromic, Billuart type. Last evaluated: 2023-05-02. Review status: criteria provided, single submitter. Criteria: ACMG Guidelines, 2015. Collection method: curation. Allele origin: germline. Inheritance: X-linked inheritance.
Comment: The p.Ile485SerfsTer8 variant in OPHN1 has not been previously reported in individuals with X-linked intellectual disability-cerebellar hypoplasia syndrome. This variant was absent from large population studies. This variant is predicted to cause a frameshift, which alters the protein‚Äôs amino acid sequence beginning at position 485 and leads to a premature termination codon 8 amino acids downstream. This alteration is then predicted to lead to a truncated or absent protein. Loss of function of the OPHN1 gene is an established disease mechanism in X-linked intellectual disability-cerebellar hypoplasia syndrome. In summary, additional studies are required to fully establish its clinical significance, this variant is likely pathogenic for X-linked intellectual disability-cerebellar hypoplasia syndrome. ACMG/AMP Criteria applied: PVS1, PM2_Supporting (Richards 2015).

NM_002547.3(OPHN1):c.1450_1453dup (p.Ile485fs)

Gene: OPHN1 (oligophrenin 1; minus strand). Cytogenetic location: Xq12.
Variant type: Duplication.
Coding change: c.1450_1453dup on transcript NM_002547.3 (MANE Select); coding-DNA positions 1450 to 1453, 4 bases duplicated (GCTA; older notation c.1450_1453dupGCTA).
Protein change: p.Ile485fs; shifts the reading frame from isoleucine 485.
Molecular consequence: frameshift variant.
Genome position (GRCh38, 1-based): chrX:68,111,927-68,111,930, TAGC duplicated on the plus strand (GCTA on the coding strand, the reverse complement: OPHN1 is on the minus strand); duplicating any 4 consecutive bases within chrX:68,111,927-68,111,931 gives the same sequence; the c. name uses the placement nearest the transcript's 3' end. VCF-style (leftmost placement, unchanged base first): chrX-68111926-A-ATAGC. GRCh37 (hg19) VCF-style: chrX-67331768-A-ATAGC.
Other names: NM_002547.3:c.1450_1453dup; short protein forms I485fs.
Identifiers: ClinVar variation 2500936 (VCV002500936.1), dbSNP rs2519695198, ClinGen allele CA2579984144.